The following is an entry in ClinVar:

ClinVar aggregate classification (germline): Likely benign (1 of 4 stars; one submission).

gnomAD v4.1: 59 of 1,612,404 alleles (0.0037%); highest among the groups gnomAD compares: Middle Eastern, 0.066%; no homozygotes.

Submission:

CeGaT Center for Human Genetics Tuebingen
Classification: Likely benign. Last evaluated: 2026-03-01. Review status: criteria provided, single submitter. Criteria: CeGaT Center For Human Genetics Tuebingen Variant Classification Criteria Version 2. Collection method: clinical testing. Allele origin: germline. Affected: yes. Observed: 1 variant allele.
Comment: UBE4B: BP4

NM_001105562.3(UBE4B):c.3848-5C>T

Gene: UBE4B (ubiquitination factor E4B; plus strand). Cytogenetic location: 1p36.22.
Variant type: single nucleotide variant.
Coding change: c.3848-5C>T on transcript NM_001105562.3 (MANE Select); 5 bases into the intron before coding-DNA position 3848, C replaced by T.
Molecular consequence: intron variant.
Genome position (GRCh38, 1-based): chr1:10,179,890, C>T. VCF-style: chr1-10179890-C-T. GRCh37 (hg19) VCF-style: chr1-10239948-C-T.
Other names: c.4001-5C>T (NM_001410744.1); c.3461-5C>T (NM_006048.5).
Identifiers: ClinVar variation 4821811 (VCV004821811.4).